The following is an entry in ClinVar:

ClinVar aggregate classification (germline): Uncertain significance (1 of 4 stars; one submission).

Conditions:
Hypertrophic cardiomyopathy 26. Also called: Cardiomyopathy, familial hypertrophic, 26. Identifiers: Orphanet 75249, MedGen C4310749, MONDO:0014883, OMIM 617047.
Myofibrillar myopathy 5. Also called: Filaminopathy (type); FILAMINOPATHY, AUTOSOMAL DOMINANT. Identifiers: Orphanet 171445, MedGen C1836050, MONDO:0012289, OMIM 609524.
Distal myopathy with posterior leg and anterior hand involvement. Also called: WILLIAMS DISTAL MYOPATHY. Identifiers: Orphanet 63273, MedGen C3279722, MONDO:0013550, OMIM 614065.

Submission:

Labcorp Genetics (formerly Invitae), Labcorp
Classification: Uncertain significance for Distal myopathy with posterior leg and anterior hand involvement; Myofibrillar myopathy 5; Hypertrophic cardiomyopathy 26. Last evaluated: 2023-07-17. Review status: criteria provided, single submitter. Criteria: Invitae Variant Classification Sherloc (09022015). Collection method: clinical testing. Allele origin: germline.
Comment: This sequence change replaces arginine, which is basic and polar, with leucine, which is neutral and non-polar, at codon 1758 of the FLNC protein (p.Arg1758Leu). This variant is not present in population databases (gnomAD no frequency). This variant has not been reported in the literature in individuals affected with FLNC-related conditions. An algorithm developed to predict the effect of missense changes on protein structure and function (PolyPhen-2) suggests that this variant is likely to be tolerated. In summary, the available evidence is currently insufficient to determine the role of this variant in disease. Therefore, it has been classified as a Variant of Uncertain Significance.

NM_001458.5(FLNC):c.5273G>T (p.Arg1758Leu)

Gene: FLNC (filamin C; plus strand). Cytogenetic location: 7q32.1.
Variant type: single nucleotide variant.
Coding change: c.5273G>T on transcript NM_001458.5 (MANE Select); coding-DNA position 5273, G replaced by T.
Protein change: p.Arg1758Leu; replaces arginine 1758 with leucine.
Molecular consequence: missense variant. On other transcripts: intron variant (1).
Genome position (GRCh38, 1-based): chr7:128,850,049, G>T. VCF-style: chr7-128850049-G-T. GRCh37 (hg19) VCF-style: chr7-128490103-G-T.
Other names: c.5200-335G>T (NM_001127487.2); short protein forms R1758L.
Identifiers: ClinVar variation 2949540 (VCV002949540.3), dbSNP rs573984029, ClinGen allele CA369204715.